The following is an entry in ClinVar:

ClinVar aggregate classification (germline): Uncertain significance (1 of 4 stars; one submission).

Conditions:
Congenital myasthenic syndrome 5. Identifiers: Orphanet 590, MedGen C1864233, MONDO:0011281, OMIM 603034.

Submission:

Labcorp Genetics (formerly Invitae), Labcorp
Classification: Uncertain significance for Congenital myasthenic syndrome 5. Last evaluated: 2024-09-13. Review status: criteria provided, single submitter. Criteria: Invitae Variant Classification Sherloc (09022015). Collection method: clinical testing. Allele origin: germline.
Comment: This sequence change replaces aspartic acid, which is acidic and polar, with glutamic acid, which is acidic and polar, at codon 418 of the COLQ protein (p.Asp418Glu). This variant is not present in population databases (gnomAD no frequency). This variant has not been reported in the literature in individuals affected with COLQ-related conditions. Invitae Evidence Modeling of protein sequence and biophysical properties (such as structural, functional, and spatial information, amino acid conservation, physicochemical variation, residue mobility, and thermodynamic stability) indicates that this missense variant is not expected to disrupt COLQ protein function with a negative predictive value of 80%. In summary, the available evidence is currently insufficient to determine the role of this variant in disease. Therefore, it has been classified as a Variant of Uncertain Significance.

NM_005677.4(COLQ):c.1254C>G (p.Asp418Glu)

Gene: COLQ (collagen like tail subunit of asymmetric acetylcholinesterase; minus strand). Cytogenetic location: 3p25.1.
Variant type: single nucleotide variant.
Coding change: c.1254C>G on transcript NM_005677.4 (MANE Select); coding-DNA position 1254, C replaced by G.
Protein change: p.Asp418Glu; replaces aspartic acid 418 with glutamic acid.
Molecular consequence: missense variant.
Genome position (GRCh38, 1-based): chr3:15,453,873, G>C on the plus strand (C>G on the coding strand, the complement: COLQ is on the minus strand). VCF-style: chr3-15453873-G-C. GRCh37 (hg19) VCF-style: chr3-15495380-G-C.
Other names: c.1224C>G, p.Asp408Glu (NM_080538.2); c.1152C>G, p.Asp384Glu (NM_080539.4); short protein forms D384E, D408E, D418E.
Identifiers: ClinVar variation 3617284 (VCV003617284.2).